The following is an entry in ClinVar:

ClinVar aggregate classification (germline): Likely benign (1 of 4 stars; one submission).

gnomAD v4.1: 10 of 1,607,394 alleles (0.00062%); highest among the groups gnomAD compares: East Asian, 0.0089%; no homozygotes.

Submission:

CeGaT Center for Human Genetics Tuebingen
Classification: Likely benign. Last evaluated: 2025-06-01. Review status: criteria provided, single submitter. Criteria: CeGaT Center For Human Genetics Tuebingen Variant Classification Criteria Version 2. Collection method: clinical testing. Allele origin: germline. Affected: yes. Observed: 1 variant allele.
Comment: DMBT1: BP4, BP7

NM_001377530.1(DMBT1):c.891C>T (p.Val297=)

Gene: DMBT1 (deleted in malignant brain tumors 1; plus strand). Cytogenetic location: 10q26.13.
Variant type: single nucleotide variant.
Coding change: c.891C>T on transcript NM_001377530.1 (MANE Select); coding-DNA position 891, C replaced by T.
Protein change: p.Val297=; no amino-acid change (valine 297 retained).
Molecular consequence: synonymous variant.
Genome position (GRCh38, 1-based): chr10:122,579,789, C>T. VCF-style: chr10-122579789-C-T. GRCh37 (hg19) VCF-style: chr10-124339305-C-T.
Other names: c.891C>T, p.Val297= (NM_004406.3, NM_007329.3, NM_017579.3 and 1 more transcripts).
Identifiers: ClinVar variation 4084842 (VCV004084842.8).